The following is an entry in ClinVar:

ClinVar aggregate classification (germline): Uncertain significance. Review status: criteria provided, multiple submitters, no conflicts (2 of 4 stars). 2 submissions from 2 submitters: Uncertain significance (2). Last evaluated 2023-06-02.

Conditions:
Charcot-Marie-Tooth disease axonal type 2C (HMSN2C). Also called: CHARCOT-MARIE-TOOTH DISEASE, AXONAL, AUTOSOMAL DOMINANT, TYPE 2C; Charcot-Marie-Tooth Neuropathy Type 2C; Charcot-Marie-Tooth Disease Type 2, TRPV4-Related (CMT2C). Identifiers: Orphanet 99937, MedGen C1853710, MONDO:0011633, OMIM 606071.

Allele frequency attached by ClinVar (database versions not stated): TOPMed below 0.00001; gnomAD exomes 0.00002.
gnomAD v4.1: 30 of 1,613,932 alleles (0.0019%); highest among the groups gnomAD compares: Non-Finnish European, 0.0024%; no homozygotes.

Submissions (2):

Labcorp Genetics (formerly Invitae), Labcorp
Classification: Uncertain significance for Charcot-Marie-Tooth disease axonal type 2C. Last evaluated: 2023-06-02. Review status: criteria provided, single submitter. Criteria: Invitae Variant Classification Sherloc (09022015). Collection method: clinical testing. Allele origin: germline.
Comment: In summary, the available evidence is currently insufficient to determine the role of this variant in disease. Therefore, it has been classified as a Variant of Uncertain Significance. Advanced modeling of protein sequence and biophysical properties (such as structural, functional, and spatial information, amino acid conservation, physicochemical variation, residue mobility, and thermodynamic stability) performed at Invitae indicates that this missense variant is not expected to disrupt TRPV4 protein function. ClinVar contains an entry for this variant (Variation ID: 536858). This variant has not been reported in the literature in individuals affected with TRPV4-related conditions. This variant is present in population databases (no rsID available, gnomAD 0.003%). This sequence change replaces isoleucine, which is neutral and non-polar, with threonine, which is neutral and polar, at codon 443 of the TRPV4 protein (p.Ile443Thr).

GeneDx
Classification: Uncertain significance. Last evaluated: 2022-01-31. Review status: criteria provided, single submitter. Criteria: GeneDx Variant Classification Process June 2021. Collection method: clinical testing. Allele origin: germline. Affected: yes.
Comment: Not observed at significant frequency in large population cohorts (gnomAD); In silico analysis supports that this missense variant does not alter protein structure/function; Has not been previously published as pathogenic or benign to our knowledge

NM_021625.5(TRPV4):c.1328T>C (p.Ile443Thr)

Gene: TRPV4 (transient receptor potential cation channel subfamily V member 4; minus strand). Cytogenetic location: 12q24.11.
Variant type: single nucleotide variant.
Coding change: c.1328T>C on transcript NM_021625.5 (MANE Select); coding-DNA position 1328, T replaced by C.
Protein change: p.Ile443Thr; replaces isoleucine 443 with threonine.
Molecular consequence: missense variant. On other transcripts: intron variant (2).
Genome position (GRCh38, 1-based): chr12:109,796,529, A>G on the plus strand (T>C on the coding strand, the complement: TRPV4 is on the minus strand). VCF-style: chr12-109796529-A-G. GRCh37 (hg19) VCF-style: chr12-110234334-A-G.
Other names: c.1187T>C, p.Ile396Thr (NM_001177428.2); c.1226T>C, p.Ile409Thr (NM_001177431.2); c.1012-2042T>C (NM_001177433.1); c.1153-2042T>C (NM_147204.2); short protein forms I443T, I396T, I409T.
Identifiers: ClinVar variation 536858 (VCV000536858.10), dbSNP rs1032807952, ClinGen allele CA243465654.